The following is an entry in ClinVar:

NM_003098.3(SNTA1):c.272G>T (p.Arg91Leu)

Genes: SNTA1 (syntrophin alpha 1; minus strand), LOC130065679 (ATAC-STARR-seq lymphoblastoid silent region 12811; plus strand). Cytogenetic location: 20q11.21.
Variant type: single nucleotide variant.
Coding change: c.272G>T on transcript NM_003098.3 (MANE Select); coding-DNA position 272, G replaced by T.
Protein change: p.Arg91Leu; replaces arginine 91 with leucine.
Molecular consequence: missense variant.
Genome position (GRCh38, 1-based): chr20:33,443,349, C>A on the plus strand (G>T on the coding strand, the complement: SNTA1 is on the minus strand). VCF-style: chr20-33443349-C-A. GRCh37 (hg19) VCF-style: chr20-32031155-C-A.
Other names: c.272G>T, p.Arg91Leu (NM_001424413.1, NM_001424414.1); short protein forms R91L.
Identifiers: ClinVar variation 2999955 (VCV002999955.3), dbSNP rs1164892695, ClinGen allele CA408633969.
Genomic context (GRCh38, chr20:33,443,349, plus strand): 5'-GCCCTCGGTGTCCCGCGCCCACCTTTGATGCTGATGCCCAGCCCACCGGCGTCGGCCTTG[C>A]GCACCGTCACGCGGCGCCGCTGGAGCAGTAGCGCCTCTGGCAGCTGCGGGGGCCCGGCGC-3'
Protein context (NP_003089.1, residues 81-101): LLLQRRRVTV[Arg91Leu]KADAGGLGIS

ClinVar aggregate classification (germline): Uncertain significance (1 of 4 stars; one submission).

Conditions:
Long QT syndrome (LQTS). Identifiers: MedGen C0023976, MeSH D008133, MONDO:0002442. Disease mechanism: loss of function. Inheritance: Various modes of inheritance.

Allele frequency attached by ClinVar (database versions not stated): gnomAD exomes below 0.00001; gnomAD 0.00001.
gnomAD v4.1: 5 of 1,476,072 alleles (0.00034%); highest among the groups gnomAD compares: South Asian, 0.0026%; no homozygotes.

Submission:

Labcorp Genetics (formerly Invitae), Labcorp
Classification: Uncertain significance for Long QT syndrome. Last evaluated: 2023-08-28. Review status: criteria provided, single submitter. Criteria: Invitae Variant Classification Sherloc (09022015). Collection method: clinical testing. Allele origin: germline.
Comment: Algorithms developed to predict the effect of sequence changes on RNA splicing suggest that this variant may disrupt the consensus splice site. This sequence change replaces arginine, which is basic and polar, with leucine, which is neutral and non-polar, at codon 91 of the SNTA1 protein (p.Arg91Leu). The frequency data for this variant in the population databases is considered unreliable, as metrics indicate poor data quality at this position in the gnomAD database. This variant has not been reported in the literature in individuals affected with SNTA1-related conditions. Advanced modeling of protein sequence and biophysical properties (such as structural, functional, and spatial information, amino acid conservation, physicochemical variation, residue mobility, and thermodynamic stability) performed at Invitae indicates that this missense variant is not expected to disrupt SNTA1 protein function. In summary, the available evidence is currently insufficient to determine the role of this variant in disease. Therefore, it has been classified as a Variant of Uncertain Significance.